The following is an entry in ClinVar:

ClinVar aggregate classification (germline): Uncertain significance (1 of 4 stars; one submission).

Submission:

Labcorp Genetics (formerly Invitae), Labcorp
Classification: Uncertain significance. Last evaluated: 2022-04-20. Review status: criteria provided, single submitter. Criteria: Invitae Variant Classification Sherloc (09022015). Collection method: clinical testing. Allele origin: germline.
Comment: In summary, the available evidence is currently insufficient to determine the role of this variant in disease. Therefore, it has been classified as a Variant of Uncertain Significance. Experimental studies and prediction algorithms are not available or were not evaluated, and the functional significance of this variant is currently unknown. This variant has not been reported in the literature in individuals affected with HPSE2-related conditions. This variant is present in population databases (rs761176039, gnomAD 0.02%). This variant, c.416_421dup, results in the insertion of 2 amino acid(s) of the HPSE2 protein (p.Gly139_Pro140dup), but otherwise preserves the integrity of the reading frame.

NM_021828.5(HPSE2):c.410GCCCGG[3] (p.Pro140_Asp141insGlyPro)

Gene: HPSE2 (heparanase 2 (inactive); minus strand). Cytogenetic location: 10q24.2.
Variant type: Microsatellite.
Coding change: c.410GCCCGG[3] on transcript NM_021828.5 (MANE Select); three copies in a row of the 6-base unit GCCCGG starting at c.410; the reference has two copies in a row; one copy, 6 bases duplicated.
Protein change: p.Pro140_Asp141insGlyPro.
Molecular consequence: inframe insertion.
Genome position (GRCh38, 1-based): chr10:99,232,375-99,232,380, CCGGGC duplicated on the plus strand (GCCCGG on the coding strand, the reverse complement: HPSE2 is on the minus strand); duplicating any 6 consecutive bases within chr10:99,232,375-99,232,388 gives the same sequence; the position shown is the placement nearest the transcript's 3' end. VCF-style (leftmost placement, unchanged base first): chr10-99232374-T-TCCGGGC. GRCh37 (hg19) VCF-style: chr10-100992131-T-TCCGGGC.
Other names: c.410GCCCGG[3], p.Pro140_Asp141insGlyPro (NM_001166244.1, NM_001166245.1, NM_001166246.1).
Identifiers: ClinVar variation 2084637 (VCV002084637.3), dbSNP rs761176039, ClinGen allele CA5640005.